The following is an entry in ClinVar:

ClinVar aggregate classification (germline): Uncertain significance (1 of 4 stars; one submission).

Conditions:
Angelman syndrome (AS). Also called: HAPPY PUPPET SYNDROME. Identifiers: Orphanet 72, MedGen C0162635, MONDO:0007113, OMIM 105830. Disease mechanism: loss of function. Inheritance: AS is caused by disruption of maternally imprinted UBE3A located within the 15q11.2-q13 Angelman syndrome/Prader-Willi syndrome (AS/PWS) region., imprinting disorder.

Allele frequency attached by ClinVar (database versions not stated): gnomAD exomes below 0.00001; TOPMed below 0.00001.
gnomAD v4.1: 1 of 1,614,158 alleles (0.000062%); highest among the groups gnomAD compares: Admixed American, 0.0017%; no homozygotes.

Submission:

Labcorp Genetics (formerly Invitae), Labcorp
Classification: Uncertain significance for Angelman syndrome. Last evaluated: 2024-04-04. Review status: criteria provided, single submitter. Criteria: Invitae Variant Classification Sherloc (09022015). Collection method: clinical testing. Allele origin: germline.
Comment: This sequence change replaces isoleucine, which is neutral and non-polar, with valine, which is neutral and non-polar, at codon 229 of the UBE3A protein (p.Ile229Val). This variant is present in population databases (no rsID available, gnomAD 0.003%). This variant has not been reported in the literature in individuals affected with UBE3A-related conditions. ClinVar contains an entry for this variant (Variation ID: 1364437). Advanced modeling of protein sequence and biophysical properties (such as structural, functional, and spatial information, amino acid conservation, physicochemical variation, residue mobility, and thermodynamic stability) performed at Invitae indicates that this missense variant is not expected to disrupt UBE3A protein function with a negative predictive value of 95%. In summary, the available evidence is currently insufficient to determine the role of this variant in disease. Therefore, it has been classified as a Variant of Uncertain Significance.

NM_130839.5(UBE3A):c.745A>G (p.Ile249Val)

Genes: SNHG14 (small nucleolar RNA host gene 14; plus strand), UBE3A (ubiquitin protein ligase E3A; minus strand). Cytogenetic location: 15q11.2.
Variant type: single nucleotide variant.
Coding change: c.745A>G on transcript NM_130839.5 (MANE Select); coding-DNA position 745, A replaced by G.
Protein change: p.Ile249Val; replaces isoleucine 249 with valine.
Molecular consequence: missense variant. On other transcripts: non-coding transcript variant (1), intron variant (2).
Genome position (GRCh38, 1-based): chr15:25,371,429, T>C on the plus strand (A>G on the coding strand, the complement: UBE3A is on the minus strand). VCF-style: chr15-25371429-T-C. GRCh37 (hg19) VCF-style: chr15-25616576-T-C.
Other names: c.754A>G, p.Ile252Val (NM_000462.5); c.745A>G, p.Ile249Val (NM_001354505.1, NM_001354538.2, NM_001354545.2); c.685A>G, p.Ile229Val (NM_001354506.2, NM_001354507.2, NM_001354508.2 and 17 more transcripts); c.568A>G, p.Ile190Val (NM_001354546.2); c.301+4036A>G (NM_001354551.2); c.361+4036A>G (NM_001354550.2); short protein forms I190V, I249V, I229V, I252V.
Identifiers: ClinVar variation 1364437 (VCV001364437.8), dbSNP rs951801729, ClinGen allele CA267785783.
Genomic context (GRCh38, chr15:25,371,429, plus strand): 5'-TCAAGTCACATTCCACGTTAGGTGACAAATATACAAGTGCATTGAGAAAGGCAGTTTCAA[T>C]TTTTTCATTAGAGAGCAATCTGGTGTAGACCCTTCTAATGGCATCAATATCCACAGACAC-3'
Protein context (NP_570854.1, residues 239-259): VYTRLLSNEK[Ile249Val]ETAFLNALVY